The following is an entry in ClinVar:

ClinVar aggregate classification (germline): Conflicting classifications of pathogenicity. Review status: criteria provided, conflicting classifications (1 of 4 stars). 6 submissions from 4 submitters: Uncertain significance (2); Likely benign (4). Last evaluated 2024-12-31.

Conditions:
Inborn genetic diseases. Identifiers: MedGen C0950123, MeSH D030342.
Polydactyly. Also called: polydactylism. Identifiers: MedGen C0152427, MONDO:0021003, OMIM 603596, HP:0010442.
Greig cephalopolysyndactyly syndrome (GCPS). Also called: GLI3-Related Greig Cephalopolysyndactyly Syndrome; POLYSYNDACTYLY WITH PECULIAR SKULL SHAPE; Greig syndrome. Identifiers: Orphanet 380, MedGen C0265306, MONDO:0008287, OMIM 175700.
Pallister-Hall syndrome (PHS). Also called: GLI3-Related Pallister-Hall Syndrome; HYPOTHALAMIC HAMARTOBLASTOMA, HYPOPITUITARISM, IMPERFORATE ANUS, AND POSTAXIAL POLYDACTYLY. Identifiers: Orphanet 672, MedGen C0265220, MONDO:0007804, OMIM 146510.

Allele frequency attached by ClinVar (database versions not stated): gnomAD exomes 0.00002 and 0.00003; ExAC 0.00003; gnomAD 0.00003 and 0.00004; TOPMed 0.00003; ESP Exome Variant Server 0.00008.
gnomAD v4.1: 48 of 1,611,012 alleles (0.003%); highest among the groups gnomAD compares: Middle Eastern, 0.033%; no homozygotes.

Submissions (6):

GeneDx
Classification: Uncertain significance. Last evaluated: 2024-12-31. Review status: criteria provided, single submitter. Criteria: GeneDx Variant Classification Process June 2021. Collection method: clinical testing. Allele origin: germline. Affected: yes.
Comment: In silico analysis supports that this missense variant has a deleterious effect on protein structure/function; Has not been previously published as pathogenic or benign to our knowledge

Ambry Genetics
Classification: Uncertain significance for Inborn genetic diseases. Last evaluated: 2024-10-29. Review status: criteria provided, single submitter. Criteria: Ambry Variant Classification Scheme 2023. Collection method: clinical testing. Allele origin: germline.

Illumina Laboratory Services, Illumina
Classification: Likely benign for Pallister-Hall syndrome. Last evaluated: 2018-01-13. Review status: criteria provided, single submitter. Criteria: ICSL Variant Classification Criteria 13 December 2019. Collection method: clinical testing. Allele origin: germline.
Comment: This variant was observed in the ICSL laboratory as part of a predisposition screen in an ostensibly healthy population. It had not been previously curated by ICSL or reported in the Human Gene Mutation Database (HGMD: prior to June 1st, 2018), and was therefore a candidate for classification through an automated scoring system. Utilizing variant allele frequency, disease prevalence and penetrance estimates, and inheritance mode, an automated score was calculated to assess if this variant is too frequent to cause the disease. Based on the score and internal cut-off values, a variant classified as likely benign is not then subjected to further curation. The score for this variant resulted in a classification of likely benign for this disease.

Illumina Laboratory Services, Illumina
Classification: Likely benign for Greig cephalopolysyndactyly syndrome. Last evaluated: 2018-01-13. Review status: criteria provided, single submitter. Criteria: ICSL Variant Classification Criteria 13 December 2019. Collection method: clinical testing. Allele origin: germline.
Comment: the same text as in the submission from Illumina Laboratory Services, Illumina above.

Illumina Laboratory Services, Illumina
Classification: Likely benign for Polydactyly. Last evaluated: 2018-01-13. Review status: criteria provided, single submitter. Criteria: ICSL Variant Classification Criteria 13 December 2019. Collection method: clinical testing. Allele origin: germline.
Comment: the same text as in the submission from Illumina Laboratory Services, Illumina above.

Eurofins Ntd Llc (ga)
Classification: Likely benign. Last evaluated: 2016-11-16. Review status: criteria provided, single submitter. Criteria: EGL Classification Definitions 2015. Collection method: clinical testing. Allele origin: germline. Observed: 2 variant alleles, 2 heterozygotes.

NM_000168.6(GLI3):c.3119A>T (p.Glu1040Val)

Gene: GLI3 (GLI family zinc finger 3; minus strand). Cytogenetic location: 7p14.1.
Variant type: single nucleotide variant.
Coding change: c.3119A>T on transcript NM_000168.6 (MANE Select); coding-DNA position 3119, A replaced by T.
Protein change: p.Glu1040Val; replaces glutamic acid 1040 with valine.
Molecular consequence: missense variant.
Genome position (GRCh38, 1-based): chr7:41,965,954, T>A on the plus strand (A>T on the coding strand, the complement: GLI3 is on the minus strand). VCF-style: chr7-41965954-T-A. GRCh37 (hg19) VCF-style: chr7-42005552-T-A.
Other names: short protein forms E1040V.
Identifiers: ClinVar variation 287984 (VCV000287984.11), dbSNP rs376477553, ClinGen allele CA4230442.